The following is an entry in ClinVar:

ClinVar aggregate classification (germline): Uncertain significance (1 of 4 stars; one submission).

gnomAD v4.1: 1 of 1,613,784 alleles (0.000062%); no homozygotes.

Submission:

Labcorp Genetics (formerly Invitae), Labcorp
Classification: Uncertain significance. Last evaluated: 2022-07-17. Review status: criteria provided, single submitter. Criteria: Invitae Variant Classification Sherloc (09022015). Collection method: clinical testing. Allele origin: germline.
Comment: In summary, the available evidence is currently insufficient to determine the role of this variant in disease. Therefore, it has been classified as a Variant of Uncertain Significance. Algorithms developed to predict the effect of missense changes on protein structure and function output the following: SIFT: "Tolerated"; PolyPhen-2: "Not Available"; Align-GVGD: "Class C0". The isoleucine amino acid residue is found in multiple mammalian species, which suggests that this missense change does not adversely affect protein function. This variant has not been reported in the literature in individuals affected with PCLO-related conditions. This variant is present in population databases (no rsID available, gnomAD 0.0009%). This sequence change replaces valine, which is neutral and non-polar, with isoleucine, which is neutral and non-polar, at codon 2209 of the PCLO protein (p.Val2209Ile).

NM_033026.6(PCLO):c.6625G>A (p.Val2209Ile)

Gene: PCLO (piccolo presynaptic cytomatrix protein; minus strand). Cytogenetic location: 7q21.11.
Variant type: single nucleotide variant.
Coding change: c.6625G>A on transcript NM_033026.6 (MANE Select); coding-DNA position 6625, G replaced by A.
Protein change: p.Val2209Ile; replaces valine 2209 with isoleucine.
Molecular consequence: missense variant.
Genome position (GRCh38, 1-based): chr7:82,954,328, C>T on the plus strand (G>A on the coding strand, the complement: PCLO is on the minus strand). VCF-style: chr7-82954328-C-T. GRCh37 (hg19) VCF-style: chr7-82583644-C-T.
Other names: c.6625G>A, p.Val2209Ile (NM_014510.3); short protein forms V2209I.
Identifiers: ClinVar variation 2001845 (VCV002001845.4), dbSNP rs1216627825, ClinGen allele CA367918823.